The following is an entry in ClinVar:

NM_000360.4(TH):c.604C>T (p.Arg202Cys)

Gene: TH (tyrosine hydroxylase; minus strand). Cytogenetic location: 11p15.5.
Variant type: single nucleotide variant.
Coding change: c.604C>T on transcript NM_000360.4 (MANE Select); coding-DNA position 604, C replaced by T.
Protein change: p.Arg202Cys; replaces arginine 202 with cysteine.
Molecular consequence: missense variant.
Genome position (GRCh38, 1-based): chr11:2,167,906, G>A on the plus strand (C>T on the coding strand, the complement: TH is on the minus strand). VCF-style: chr11-2167906-G-A. GRCh37 (hg19) VCF-style: chr11-2189136-G-A.
Other names: p.R202C; c.697C>T, p.Arg233Cys (NM_199292.3); c.685C>T, p.Arg229Cys (NM_199293.3); short protein forms R229C, R233C, R202C.
Identifiers: ClinVar variation 640660 (VCV000640660.12), dbSNP rs1021029193, ClinGen allele CA379128112.
Genomic context (GRCh38, chr11:2,167,906, plus strand): 5'-CGAGCGCAGGGGCCCCTCACTGCCTGTACTGGAAGGCGATCTCAGCAATCAGCTTCCTGC[G>A]CTGGCGGTACACCTGGTCCGAGAAGCCCTGAGGGCAGAGGGGATGCACGGGTCAGGAGGC-3'
Protein context (NP_000351.2, residues 192-212): PGFSDQVYRQ[Arg202Cys]RKLIAEIAFQ

ClinVar aggregate classification (germline): Likely pathogenic. Review status: criteria provided, multiple submitters, no conflicts (2 of 4 stars). 4 submissions from 4 submitters: Likely pathogenic (2). 2 of the submissions do not count toward it. Last evaluated 2025-02-05.

Conditions:
TH-deficient dopa-responsive dystonia. Also called: Tyrosine Hydroxylase-Deficient Dopa-Responsive Dystonia; DYT-TH; Segawa syndrome, autosomal recessive. Identifiers: Orphanet 101150, MedGen C2673535, MONDO:0011551, OMIM 605407.

Allele frequency attached by ClinVar (database versions not stated): TOPMed 0.00001; gnomAD 0.00001.

Submissions (4):

3billion
Classification: Likely pathogenic for TH-deficient dopa-responsive dystonia. Last evaluated: 2025-02-05. Review status: criteria provided, single submitter. Criteria: ACMG Guidelines, 2015. Collection method: clinical testing. Allele origin: germline. Affected: yes.
Comment: The variant is observed at an extremely low frequency in the gnomAD v4.1.0 dataset (total allele frequency: <0.001%). Predicted Consequence/Location: Missense variant. The majority of the known disease-causing variants of this gene are variants expected to result in premature termination of the protein. In silico tool predictions suggest damaging effect of the variant on gene or gene product [REVEL: 0.87 (>=0.6, sensitivity 0.68 and specificity 0.92); 3Cnet: 0.98 (>=0.6, sensitivity 0.72 and precision 0.9)]. The same nucleotide change resulting in the same amino acid change has been previously reported as pathogenic/likely pathogenic with strong evidence (ClinVar ID: VCV000640660). A different missense change at the same codon (p.Arg202His) has been reported as pathogenic/likely pathogenic with strong evidence (ClinVar ID: VCV000012327 /PMID: 9703425 /3billion dataset). Therefore, this variant is classified as Likely pathogenic according to the recommendation of ACMG/AMP guideline.

Labcorp Genetics (formerly Invitae), Labcorp
Classification: Likely pathogenic for TH-deficient dopa-responsive dystonia. Last evaluated: 2024-03-16. Review status: criteria provided, single submitter. Criteria: Invitae Variant Classification Sherloc (09022015). Collection method: clinical testing. Allele origin: germline.
Comment: This sequence change replaces arginine, which is basic and polar, with cysteine, which is neutral and slightly polar, at codon 233 of the TH protein (p.Arg233Cys). This variant is not present in population databases (gnomAD no frequency). This variant has not been reported in the literature in individuals affected with TH-related conditions. ClinVar contains an entry for this variant (Variation ID: 640660). Advanced modeling of protein sequence and biophysical properties (such as structural, functional, and spatial information, amino acid conservation, physicochemical variation, residue mobility, and thermodynamic stability) has been performed at Invitae for this missense variant, however the output from this modeling did not meet the statistical confidence thresholds required to predict the impact of this variant on TH protein function. This variant disrupts the p.Arg233 amino acid residue in TH. Other variant(s) that disrupt this residue have been determined to be pathogenic (PMID: 9703425, 10407773, 20430833, 20823027, 24753243, 26276013). This suggests that this residue is clinically significant, and that variants that disrupt this residue are likely to be disease-causing. In summary, the currently available evidence indicates that the variant is pathogenic, but additional data are needed to prove that conclusively. Therefore, this variant has been classified as Likely Pathogenic.

Undiagnosed Diseases Network, NIH
Classification: Uncertain significance for TH-deficient dopa-responsive dystonia. Last evaluated: 2024-01-29. Review status: no assertion criteria provided. Collection method: clinical testing. Allele origin: unknown. Affected: yes. Observed: 1 variant allele, 1 compound heterozygote. Study: Undiagnosed Diseases Network (NIH), UDN. Not counted in ClinVar's aggregate classification.

Natera, Inc.
Classification: Uncertain significance for Autosomal recessive Segawa syndrome. Last evaluated: 2020-10-30. Review status: no assertion criteria provided. Collection method: clinical testing. Allele origin: germline. Not counted in ClinVar's aggregate classification.

Literature cited by the submitters: PubMed 9703425 (cited by 3billion and Labcorp Genetics (formerly Invitae), Labcorp); PubMed 10407773 (cited by Labcorp Genetics (formerly Invitae), Labcorp); PubMed 20430833 (cited by Labcorp Genetics (formerly Invitae), Labcorp); PubMed 20823027 (cited by Labcorp Genetics (formerly Invitae), Labcorp); PubMed 24753243 (cited by Labcorp Genetics (formerly Invitae), Labcorp); PubMed 26276013 (cited by Labcorp Genetics (formerly Invitae), Labcorp).